The following is an entry in ClinVar:

NM_000543.5(SMPD1):c.1675G>T (p.Val559Leu)

Gene: SMPD1 (sphingomyelin phosphodiesterase 1; plus strand). Cytogenetic location: 11p15.4.
Variant type: single nucleotide variant.
Coding change: c.1675G>T on transcript NM_000543.5 (MANE Select); coding-DNA position 1675, G replaced by T.
Protein change: p.Val559Leu; replaces valine 559 with leucine.
Molecular consequence: missense variant. On other transcripts: 3 prime UTR variant (1), non-coding transcript variant (2).
Genome position (GRCh38, 1-based): chr11:6,394,386, G>T. VCF-style: chr11-6394386-G-T. GRCh37 (hg19) VCF-style: chr11-6415616-G-T.
Other names: c.1672G>T, p.Val558Leu (NM_001007593.3); c.*168G>T (NM_001318087.2); c.754G>T, p.Val252Leu (NM_001318088.2); c.1543G>T, p.Val515Leu (NM_001365135.2); short protein forms V252L, V515L, V558L, V559L.
Identifiers: ClinVar variation 4536975 (VCV004536975.1).
Genomic context (GRCh38, chr11:6,394,386, plus strand): 5'-TACAGGGCTCGAGAAACCTATGGGCTGCCCAACACACTGCCTACCGCCTGGCACAACCTG[G>T]TATATCGCATGCGGGGCGACATGCAACTTTTCCAGACCTTCTGGTTTCTCTACCATAAGG-3'
Protein context (NP_000534.3, residues 549-569): NTLPTAWHNL[Val559Leu]YRMRGDMQLF

ClinVar aggregate classification (germline): Uncertain significance (1 of 4 stars; one submission).

Submission:

Women's Health and Genetics/Laboratory Corporation of America, LabCorp
Classification: Uncertain significance. Last evaluated: 2025-11-07. Review status: criteria provided, single submitter. Criteria: LabCorp Variant Classification Summary - May 2015. Collection method: clinical testing. Allele origin: germline.
Comment: Variant summary: SMPD1 c.1675G>T (p.Val559Leu) results in a conservative amino acid change in the encoded protein sequence. Algorithms developed to predict the effect of missense changes on protein structure and function all suggest that this variant is likely to be tolerated. The variant was absent in 251490 control chromosomes. The available data on variant occurrences in the general population are insufficient to allow any conclusion about variant significance. c.1675G>T has been observed in individual(s) affected with Niemann-Pick Disease (Hu_2021, Zhang_2013). These data do not allow any conclusion about variant significance. To our knowledge, no experimental evidence demonstrating an impact on protein function has been reported. The following publications have been ascertained in the context of this evaluation (PMID: 33675270, 23356216). No submitters have cited clinical-significance assessments for this variant to ClinVar. Based on the evidence outlined above, the variant was classified as uncertain significance.

Literature cited by the submitters: PubMed 23356216; PubMed 33675270.